The following is an entry in ClinVar:

NM_000203.5(IDUA):c.1375C>T (p.Arg459Trp)

Gene: IDUA (alpha-L-iduronidase; plus strand). Cytogenetic location: 4p16.3.
Variant type: single nucleotide variant.
Coding change: c.1375C>T on transcript NM_000203.5 (MANE Select); coding-DNA position 1375, C replaced by T.
Protein change: p.Arg459Trp; replaces arginine 459 with tryptophan.
Molecular consequence: missense variant. On other transcripts: non-coding transcript variant (1).
Genome position (GRCh38, 1-based): chr4:1,002,917, C>T. VCF-style: chr4-1002917-C-T. GRCh37 (hg19) VCF-style: chr4-996705-C-T.
Other names: c.979C>T, p.Arg327Trp (NM_001363576.1); short protein forms R327W, R459W.
Identifiers: ClinVar variation 1472801 (VCV001472801.6), dbSNP rs2153022668, ClinGen allele CA355964258.

ClinVar aggregate classification (germline): Uncertain significance (1 of 4 stars; one submission).

Conditions:
Mucopolysaccharidosis type 1. Also called: Mucopolysaccharidosis Type I; IDUA deficiency; MPS I. Identifiers: Orphanet 579, MedGen C0023786, MONDO:0001586.

Submission:

Labcorp Genetics (formerly Invitae), Labcorp
Classification: Uncertain significance for Mucopolysaccharidosis type 1. Last evaluated: 2020-11-24. Review status: criteria provided, single submitter. Criteria: Invitae Variant Classification Sherloc (09022015). Collection method: clinical testing. Allele origin: germline.
Comment: In summary, the available evidence is currently insufficient to determine the role of this variant in disease. Therefore, it has been classified as a Variant of Uncertain Significance. Algorithms developed to predict the effect of missense changes on protein structure and function are either unavailable or do not agree on the potential impact of this missense change (SIFT: "Deleterious"; PolyPhen-2: "Probably Damaging"; Align-GVGD: "Class C0"). This variant has not been reported in the literature in individuals with IDUA-related conditions. The frequency data for this variant in the population databases is considered unreliable, as metrics indicate insufficient coverage at this position in the ExAC database. This sequence change replaces arginine with tryptophan at codon 459 of the IDUA protein (p.Arg459Trp). The arginine residue is moderately conserved and there is a moderate physicochemical difference between arginine and tryptophan.